The following is an entry in ClinVar:

ClinVar aggregate classification (germline): Likely pathogenic (1 of 4 stars; one submission).

Submission:

Labcorp Genetics (formerly Invitae), Labcorp
Classification: Likely pathogenic. Last evaluated: 2025-09-01. Review status: criteria provided, single submitter. Criteria: Invitae Variant Classification Sherloc (09022015). Collection method: clinical testing. Allele origin: germline.
Comment: This sequence change affects a splice site in intron 6 of the COL4A1 gene. It is expected to disrupt RNA splicing. Variants that disrupt the donor or acceptor splice site typically lead to a loss of protein function (PMID: 16199547), and loss-of-function variants in COL4A1 are known to be pathogenic (PMID: 23225343). This variant is not present in population databases (gnomAD no frequency). This variant has not been reported in the literature in individuals affected with COL4A1-related conditions. Algorithms developed to predict the effect of sequence changes on RNA splicing suggest that this variant may disrupt the consensus splice site. In summary, the currently available evidence indicates that the variant is pathogenic, but additional data are needed to prove that conclusively. Therefore, this variant has been classified as Likely Pathogenic.

Literature cited by the submitters: PubMed 16199547; PubMed 23225343.

NM_001845.6(COL4A1):c.388-2del

Gene: COL4A1 (collagen type IV alpha 1 chain; minus strand). Cytogenetic location: 13q34.
Variant type: Deletion.
Coding change: c.388-2del on transcript NM_001845.6 (MANE Select); the canonical splice acceptor site of the intron before coding-DNA position 388, one base deleted (A; older notation c.388-2delA).
Molecular consequence: splice acceptor variant.
Genome position (GRCh38, 1-based): chr13:110,211,924, T deleted on the plus strand (A on the coding strand, the reverse complement: COL4A1 is on the minus strand). VCF-style (leftmost placement, unchanged base first): chr13-110211923-CT-C. GRCh37 (hg19) VCF-style: chr13-110864270-CT-C.
Other names: c.388-2del (NM_001303110.2).
Identifiers: ClinVar variation 4772940 (VCV004772940.1).